The following is an entry in ClinVar:

NM_194248.3(OTOF):c.1206-1G>A

Gene: OTOF (otoferlin; minus strand). Cytogenetic location: 2p23.3.
Variant type: single nucleotide variant.
Coding change: c.1206-1G>A on transcript NM_194248.3 (MANE Select); the canonical splice acceptor site of the intron before coding-DNA position 1206, G replaced by A.
Molecular consequence: splice acceptor variant.
Genome position (GRCh38, 1-based): chr2:26,483,649, C>T on the plus strand (G>A on the coding strand, the complement: OTOF is on the minus strand). VCF-style: chr2-26483649-C-T. GRCh37 (hg19) VCF-style: chr2-26706517-C-T.
Other names: c.1206-1G>A (NM_001287489.2).
Identifiers: ClinVar variation 2877280 (VCV002877280.3), dbSNP rs1665625477, ClinGen allele CA346137179.
Genomic context (GRCh38, chr2:26,483,649, plus strand): 5'-TTCACATAGAACCGGGCCCACTGGCGTTCGGGGGGCACCCCCTCGGGGAGCAGCAAGTTC[C>T]TGCCAGCACATACAGCCAGGGCCATGGTCACCAGGTCCAGGTCCCCAACCCCCATCCTGG-3'

ClinVar aggregate classification (germline): Likely pathogenic (1 of 4 stars; one submission).

Allele frequency attached by ClinVar (database versions not stated): TOPMed 0.00001.
gnomAD v4.1: 1 of 1,611,836 alleles (0.000062%); no homozygotes.

Submission:

Labcorp Genetics (formerly Invitae), Labcorp
Classification: Likely pathogenic. Last evaluated: 2023-02-04. Review status: criteria provided, single submitter. Criteria: Invitae Variant Classification Sherloc (09022015). Collection method: clinical testing. Allele origin: germline.
Comment: This variant is not present in population databases (gnomAD no frequency). This variant has not been reported in the literature in individuals affected with OTOF-related conditions. Algorithms developed to predict the effect of sequence changes on RNA splicing suggest that this variant may disrupt the consensus splice site. In summary, the currently available evidence indicates that the variant is pathogenic, but additional data are needed to prove that conclusively. Therefore, this variant has been classified as Likely Pathogenic. This sequence change affects an acceptor splice site in intron 12 of the OTOF gene. It is expected to disrupt RNA splicing. Variants that disrupt the donor or acceptor splice site typically lead to a loss of protein function (PMID: 16199547), and loss-of-function variants in OTOF are known to be pathogenic (PMID: 18381613, 19250381, 22575033).

Literature cited by the submitters: PubMed 16199547; PubMed 18381613; PubMed 19250381; PubMed 22575033.